The following is an entry in ClinVar:

ClinVar aggregate classification (germline): Uncertain significance (1 of 4 stars; one submission).

Submission:

Labcorp Genetics (formerly Invitae), Labcorp
Classification: Uncertain significance. Last evaluated: 2022-02-10. Review status: criteria provided, single submitter. Criteria: Invitae Variant Classification Sherloc (09022015). Collection method: clinical testing. Allele origin: germline.
Comment: This sequence change replaces lysine, which is basic and polar, with arginine, which is basic and polar, at codon 592 of the CAD protein (p.Lys592Arg). This variant is not present in population databases (gnomAD no frequency). This variant has not been reported in the literature in individuals affected with CAD-related conditions. Algorithms developed to predict the effect of missense changes on protein structure and function are either unavailable or do not agree on the potential impact of this missense change (SIFT: "Deleterious"; PolyPhen-2: "Benign"; Align-GVGD: "Class C0"). In summary, the available evidence is currently insufficient to determine the role of this variant in disease. Therefore, it has been classified as a Variant of Uncertain Significance.

NM_004341.5(CAD):c.1775A>G (p.Lys592Arg)

Gene: CAD (carbamoyl-phosphate synthetase 2, aspartate transcarbamylase, and dihydroorotase; plus strand). Cytogenetic location: 2p23.3.
Variant type: single nucleotide variant.
Coding change: c.1775A>G on transcript NM_004341.5 (MANE Select); coding-DNA position 1775, A replaced by G.
Protein change: p.Lys592Arg; replaces lysine 592 with arginine.
Molecular consequence: missense variant.
Genome position (GRCh38, 1-based): chr2:27,225,859, A>G. VCF-style: chr2-27225859-A-G. GRCh37 (hg19) VCF-style: chr2-27448727-A-G.
Other names: c.1775A>G, p.Lys592Arg (NM_001306079.2); short protein forms K592R.
Identifiers: ClinVar variation 1471375 (VCV001471375.5), dbSNP rs2148066215, ClinGen allele CA346206261.